The following is an entry in ClinVar:

ClinVar aggregate classification (germline): Likely benign. Review status: reviewed by expert panel (3 of 4 stars). 12 submissions from 12 submitters: Likely benign (1). 11 of the submissions do not count toward it. Last evaluated 2023-08-10.

Conditions:
CDH1-related diffuse gastric and lobular breast cancer syndrome. Also called: CDH1-related diffuse gastric and lobular breast cancer. Identifiers: MedGen CN311521, MONDO:0100488.
Blepharocheilodontic syndrome 1 (BCDS1). Identifiers: Orphanet 1997, MedGen C4551988, MONDO:0054740, OMIM 119580.
Endometrial carcinoma. Also called: Endometrial carcinoma, somatic. Identifiers: MedGen C0476089, MONDO:0002447, OMIM 608089, HP:0012114.
Hereditary diffuse gastric adenocarcinoma (HDGC). Also called: DIFFUSE GASTRIC AND LOBULAR BREAST CANCER SYNDROME. Identifiers: Orphanet 26106, MedGen C1708349, MONDO:0007648, OMIM 137215.
Ovarian cancer. Also called: OVARIAN CANCER, SOMATIC. Identifiers: Orphanet 213500, MedGen C1140680, MONDO:0008170, OMIM 167000.
Familial cancer of breast. Also called: BREAST CANCER, FAMILIAL; Hereditary breast cancer; hereditary breast carcinoma. Identifiers: Orphanet 227535, MedGen C0346153, MONDO:0016419, OMIM 114480. Disease mechanism: loss of function.
Hereditary cancer-predisposing syndrome. Also called: Tumor predisposition; Neoplastic Syndromes, Hereditary; Hereditary Cancer Syndrome; Hereditary neoplastic syndrome. Identifiers: Orphanet 140162, MedGen C0027672, MeSH D009386, MONDO:0015356.

Allele frequency attached by ClinVar (database versions not stated): ExAC 0.00001; gnomAD exomes 0.00001; TOPMed 0.00002; gnomAD 0.00003.
gnomAD v4.1: 30 of 1,614,014 alleles (0.0019%); highest among the groups gnomAD compares: Non-Finnish European, 0.0025%; no homozygotes.

Submissions (12):

Clingen Gastric Cancer Variant Curation Expert Panel
Classification: Likely benign for CDH1-related diffuse gastric and lobular breast cancer syndrome. Last evaluated: 2023-08-10. Review status: reviewed by expert panel. Criteria: ClinGen CDH1 ACMG Specifications V3.1. Collection method: curation. Allele origin: germline. Inheritance: Autosomal dominant inheritance.
Comment: The c.499G>A (p.Glu167Lys) variant has also been observed in >10 (28) individuals without a diagnosis of diffuse gastric cancer, signet ring tumor or lobular breast cancer and whose family histories do not suggest HDGC (BS2; SCV000329225.7; SCV000259296.7). In summary, this variant meets criteria to be classified as likely benign based the ACMG/AMP criteria applied, as specified by the CDH1 Variant Curation Expert Panel (Variant Interpretation Guidelines Version 3.1): BS2.

Women's Health and Genetics/Laboratory Corporation of America, LabCorp
Classification: Likely benign. Last evaluated: 2026-03-11. Review status: criteria provided, single submitter. Criteria: LabCorp Variant Classification Summary - May 2015. Collection method: clinical testing. Allele origin: germline. Not counted in ClinVar's aggregate classification.
Comment: Variant summary: CDH1 c.499G>A (p.Glu167Lys) results in a conservative amino acid change located in the cadherin-like domain (IPR002126) of the encoded protein sequence. Algorithms developed to predict the effect of missense changes on protein structure and function are either unavailable or do not agree on the potential impact of this missense change. The variant allele was found at a frequency of 1.9e-05 in 1614014 control chromosomes, predominantly at a frequency of 2.5e-05 within the Non-Finnish European subpopulation in the gnomAD database. The observed variant frequency within Non-Finnish European control individuals in the gnomAD database exceeds the estimated maximal expected allele frequency for disease-causing variants in CDH1. c.499G>A has been reported in the literature in an individual affected with breast cancer without evidence for causality (Tung_2016) and in an individual affected with colorectal cancer (Pearlman_2021) who had a co-occurring pathogenic variant (MUTYH c.536A>G, p.Tyr179Cys), providing supporting evidence for a benign role. These report(s) do not provide unequivocal conclusions about association of the variant with Breast Cancer. To our knowledge, no experimental evidence demonstrating an impact on protein function has been reported. The following publications have been ascertained in the context of this evaluation (PMID: 34250417, 26976419). ClinVar contains an entry for this variant (Variation ID: 219431). Based on the evidence outlined above, the variant was classified as likely benign.

Labcorp Genetics (formerly Invitae), Labcorp
Classification: Likely benign for Hereditary diffuse gastric adenocarcinoma. Last evaluated: 2025-12-17. Review status: criteria provided, single submitter. Criteria: Invitae Variant Classification Sherloc (09022015). Collection method: clinical testing. Allele origin: germline. Not counted in ClinVar's aggregate classification.

Center for Genomic Medicine, Rigshospitalet, Copenhagen University Hospital
Classification: Likely benign. Last evaluated: 2025-03-04. Review status: criteria provided, single submitter. Criteria: ACMG Guidelines, 2015. Collection method: clinical testing. Allele origin: germline. Not counted in ClinVar's aggregate classification.

Ambry Genetics
Classification: Benign for Hereditary cancer-predisposing syndrome. Last evaluated: 2024-07-10. Review status: criteria provided, single submitter. Criteria: Ambry Variant Classification Scheme 2023. Collection method: clinical testing. Allele origin: germline. Not counted in ClinVar's aggregate classification.

Fulgent Genetics
Classification: Uncertain significance for Familial cancer of breast; Blepharocheilodontic syndrome 1; Hereditary diffuse gastric adenocarcinoma; Ovarian cancer; Endometrial carcinoma. Last evaluated: 2024-03-21. Review status: criteria provided, single submitter. Criteria: ACMG Guidelines, 2015. Collection method: clinical testing. Allele origin: germline. Not counted in ClinVar's aggregate classification.

GeneDx
Classification: Uncertain significance. Last evaluated: 2023-09-14. Review status: criteria provided, single submitter. Criteria: GeneDx Variant Classification Process June 2021. Collection method: clinical testing. Allele origin: germline. Affected: yes. Not counted in ClinVar's aggregate classification.
Comment: Not observed at significant frequency in large population cohorts (gnomAD); In silico analysis supports that this missense variant does not alter protein structure/function; Observed in individuals with a personal and/or family history of breast cancer and in an individual with mismatch repair (MMR) proficient colorectal cancer (Tung et al., 2016; Pearlman et al., 2021; Garcia-Pelaez et a., 2023); This variant is associated with the following publications: (PMID: 36436516, 22850631, 15235021, 34250417, 26976419)

Mendelics
Classification: Benign for Hereditary diffuse gastric adenocarcinoma. Last evaluated: 2023-08-22. Review status: criteria provided, single submitter. Criteria: Mendelics Assertion Criteria 2019. Collection method: clinical testing. Allele origin: germline. Not counted in ClinVar's aggregate classification.

Myriad Genetics, Inc.
Classification: Uncertain significance for Hereditary diffuse gastric adenocarcinoma. Last evaluated: 2023-03-03. Review status: criteria provided, single submitter. Criteria: Myriad Autosomal Dominant, Autosomal Recessive and X-Linked Classification Criteria (2023). Collection method: clinical testing. Allele origin: unknown. Not counted in ClinVar's aggregate classification.
Comment: This variant is classified as a variant of uncertain significance as there is insufficient evidence to determine its impact on protein function and/or cancer risk.

Color Diagnostics, LLC DBA Color Health
Classification: Uncertain significance for Hereditary cancer-predisposing syndrome. Last evaluated: 2023-02-15. Review status: criteria provided, single submitter. Criteria: ACMG Guidelines, 2015. Collection method: clinical testing. Allele origin: germline. Not counted in ClinVar's aggregate classification.
Comment: This missense variant replaces glutamic acid with lysine at codon 167 of the CDH1 protein. To our knowledge, functional studies have not been reported for this variant. This variant has been reported in an individual affected with breast cancer (PMID: 26976419). This variant has been identified in 4/282610 chromosomes in the general population by the Genome Aggregation Database (gnomAD). The available evidence is insufficient to determine the role of this variant in disease conclusively. Therefore, this variant is classified as a Variant of Uncertain Significance.

European Reference Network on Genetic Tumour Risk Syndromes (ERN-GENTURIS), i3s - Instituto de Investigação e Inovação em Saúde, University of Porto
Classification: Likely benign for Hereditary diffuse gastric adenocarcinoma. Last evaluated: 2022-08-01. Review status: criteria provided, single submitter. Criteria: Lee et al. (Hum Mutat. 2018). Collection method: clinical testing. Allele origin: germline. Inheritance: Autosomal dominant inheritance. Affected: no. Study: ERN GENTURIS. Not counted in ClinVar's aggregate classification.
Comment: BS2 (PMID: 30311375)

Counsyl
Classification: Uncertain significance for Hereditary diffuse gastric adenocarcinoma. Last evaluated: 2017-07-31. Review status: no assertion criteria provided. Collection method: clinical testing. Allele origin: unknown. Not counted in ClinVar's aggregate classification.

Literature cited by the submitters: PubMed 26976419 (cited by 3 submitters); PubMed 34250417 (cited by Women's Health and Genetics/Laboratory Corporation of America, LabCorp); PubMed 36436516 (cited by Ambry Genetics and European Reference Network on Genetic Tumour Risk Syndromes (ERN-GENTURIS), i3s - Instituto de Investigação e Inovação em Saúde, University of Porto).

NM_004360.5(CDH1):c.499G>A (p.Glu167Lys)

Gene: CDH1 (cadherin 1; plus strand). Cytogenetic location: 16q22.1.
Variant type: single nucleotide variant.
Coding change: c.499G>A on transcript NM_004360.5 (MANE Select); coding-DNA position 499, G replaced by A.
Protein change: p.Glu167Lys; replaces glutamic acid 167 with lysine.
Molecular consequence: missense variant. On other transcripts: 5 prime UTR variant (2).
Genome position (GRCh38, 1-based): chr16:68,808,535, G>A. VCF-style: chr16-68808535-G-A. GRCh37 (hg19) VCF-style: chr16-68842438-G-A.
Other names: NM_004360.5(CDH1):c.499G>A; p.Glu167Lys; c.499G>A (LRG_301t1); c.499G>A, p.Glu167Lys (NM_001317184.2); c.-1117G>A (NM_001317185.2); c.-1321G>A (NM_001317186.2); short protein forms E167K.
Identifiers: ClinVar variation 219431 (VCV000219431.36), dbSNP rs769076258, ClinGen allele CA350337.